The following is an entry in ClinVar:

NM_002230.4(JUP):c.1299C>T (p.Ser433=)

Gene: JUP (junction plakoglobin; minus strand). Cytogenetic location: 17q21.2.
Variant type: single nucleotide variant.
Coding change: c.1299C>T on transcript NM_002230.4 (MANE Select); coding-DNA position 1299, C replaced by T.
Protein change: p.Ser433=; no amino-acid change (serine 433 retained).
Molecular consequence: synonymous variant.
Genome position (GRCh38, 1-based): chr17:41,763,181, G>A on the plus strand (C>T on the coding strand, the complement: JUP is on the minus strand). VCF-style: chr17-41763181-G-A. GRCh37 (hg19) VCF-style: chr17-39919433-G-A.
Other names: c.1299C>T, p.Ser433= (NM_001352773.2, NM_001352774.2, NM_001352775.2 and 3 more transcripts); c.1299C>T (NM_021991.2).
Identifiers: ClinVar variation 696804 (VCV000696804.20), dbSNP rs376345105, ClinGen allele CA8565238.

ClinVar aggregate classification (germline): Likely benign. Review status: criteria provided, multiple submitters, no conflicts (2 of 4 stars). 3 submissions from 3 submitters: Likely benign (2). 1 of the submissions does not count toward it. Last evaluated 2025-02-05.

Conditions:
Naxos disease (NXD). Also called: WOOLLY HAIR, PALMOPLANTAR KERATODERMA, AND CARDIAC ABNORMALITIES; KERATOSIS PALMOPLANTARIS WITH ARRHYTHMOGENIC CARDIOMYOPATHY; MAL DE NAXOS; PALMOPLANTAR KERATODERMA WITH ARRHYTHMOGENIC RIGHT VENTRICULAR CARDIOMYOPATHY AND WOOLLY HAIR; CARDIOMYOPATHY, ARRHYTHMOGENIC RIGHT VENTRICULAR, WITH SKIN, HAIR, AND NAIL ABNORMALITIES. Identifiers: Orphanet 34217, MedGen C1832600, MONDO:0011017, OMIM 601214.
Arrhythmogenic right ventricular dysplasia 12. Also called: ARRHYTHMOGENIC RIGHT VENTRICULAR DYSPLASIA, FAMILIAL, 12. Identifiers: MedGen C1969081, MONDO:0012684, OMIM 611528.
JUP-related disorder. Also called: JUP-related condition.
Cardiovascular phenotype. Identifiers: MedGen CN230736.

Allele frequency attached by ClinVar (database versions not stated): gnomAD 0.00001 and 0.00003; TOPMed 0.00004; gnomAD exomes 0.00006 and 0.00009; ExAC 0.00011.
gnomAD v4.1: 98 of 1,614,120 alleles (0.0061%); highest among the groups gnomAD compares: South Asian, 0.079%; 1 homozygote.

Submissions (3):

Labcorp Genetics (formerly Invitae), Labcorp
Classification: Likely benign for Arrhythmogenic right ventricular dysplasia 12; Naxos disease. Last evaluated: 2025-02-05. Review status: criteria provided, single submitter. Criteria: Invitae Variant Classification Sherloc (09022015). Collection method: clinical testing. Allele origin: germline.

Ambry Genetics
Classification: Likely benign for Cardiovascular phenotype. Last evaluated: 2024-10-22. Review status: criteria provided, single submitter. Criteria: Ambry Variant Classification Scheme 2023. Collection method: clinical testing. Allele origin: germline.

PreventionGenetics, part of Exact Sciences
Classification: Likely benign for JUP-related condition. Last evaluated: 2019-03-08. Review status: no assertion criteria provided. Collection method: clinical testing. Allele origin: germline. Not counted in ClinVar's aggregate classification.
Comment: This variant is classified as likely benign based on ACMG/AMP sequence variant interpretation guidelines (Richards et al. 2015 PMID: 25741868, with internal and published modifications).